The following is an entry in ClinVar:

ClinVar aggregate classification (germline): Uncertain significance. Review status: criteria provided, multiple submitters, no conflicts (2 of 4 stars). 4 submissions from 4 submitters: Uncertain significance (4). Last evaluated 2024-10-01.

Allele frequency attached by ClinVar (database versions not stated): gnomAD 0.00001; gnomAD exomes 0.00001; TOPMed 0.00001.
gnomAD v4.1: 4 of 1,614,064 alleles (0.00025%); highest among the groups gnomAD compares: Non-Finnish European, 0.00034%; no homozygotes.

Submissions (4):

GeneDx
Classification: Uncertain significance. Last evaluated: 2024-10-01. Review status: criteria provided, single submitter. Criteria: GeneDx Variant Classification Process June 2021. Collection method: clinical testing. Allele origin: germline. Affected: yes.
Comment: In silico analysis supports that this missense variant has a deleterious effect on protein structure/function; Occurs in the triple helical domain within an interruption of the canonical Gly-X-Y repeat; Has not been previously published as pathogenic or benign to our knowledge

Labcorp Genetics (formerly Invitae), Labcorp
Classification: Uncertain significance. Last evaluated: 2024-04-29. Review status: criteria provided, single submitter. Criteria: Invitae Variant Classification Sherloc (09022015). Collection method: clinical testing. Allele origin: germline.
Comment: This sequence change replaces proline, which is neutral and non-polar, with alanine, which is neutral and non-polar, at codon 1060 of the COL4A1 protein (p.Pro1060Ala). This variant is not present in population databases (gnomAD no frequency). This variant has not been reported in the literature in individuals affected with COL4A1-related conditions. ClinVar contains an entry for this variant (Variation ID: 423054). An algorithm developed to predict the effect of missense changes on protein structure and function (PolyPhen-2) suggests that this variant is likely to be disruptive. In summary, the available evidence is currently insufficient to determine the role of this variant in disease. Therefore, it has been classified as a Variant of Uncertain Significance.

CeGaT Center for Human Genetics Tuebingen
Classification: Uncertain significance. Last evaluated: 2023-01-01. Review status: criteria provided, single submitter. Criteria: CeGaT Center For Human Genetics Tuebingen Variant Classification Criteria Version 2. Collection method: clinical testing. Allele origin: germline. Affected: yes. Observed: 1 variant allele.
Comment: COL4A1: PM2

Blueprint Genetics
Classification: Uncertain significance. Last evaluated: 2022-07-28. Review status: criteria provided, single submitter. Criteria: ACMG Guidelines, 2015. Collection method: clinical testing. Allele origin: germline.

NM_001845.6(COL4A1):c.3178C>G (p.Pro1060Ala)

Gene: COL4A1 (collagen type IV alpha 1 chain; minus strand). Cytogenetic location: 13q34.
Variant type: single nucleotide variant.
Coding change: c.3178C>G on transcript NM_001845.6 (MANE Select); coding-DNA position 3178, C replaced by G.
Protein change: p.Pro1060Ala; replaces proline 1060 with alanine.
Molecular consequence: missense variant.
Genome position (GRCh38, 1-based): chr13:110,175,238, G>C on the plus strand (C>G on the coding strand, the complement: COL4A1 is on the minus strand). VCF-style: chr13-110175238-G-C. GRCh37 (hg19) VCF-style: chr13-110827585-G-C.
Other names: short protein forms P1060A.
Identifiers: ClinVar variation 423054 (VCV000423054.34), dbSNP rs886044336, ClinGen allele CA16619611.